The following is an entry in ClinVar:

NM_000548.5(TSC2):c.1030A>G (p.Arg344Gly)

Gene: TSC2 (TSC complex subunit 2; plus strand). Cytogenetic location: 16p13.3.
Variant type: single nucleotide variant.
Coding change: c.1030A>G on transcript NM_000548.5 (MANE Select); coding-DNA position 1030, A replaced by G.
Protein change: p.Arg344Gly; replaces arginine 344 with glycine.
Molecular consequence: missense variant. On other transcripts: 5 prime UTR variant (10), non-coding transcript variant (5).
Genome position (GRCh38, 1-based): chr16:2,060,724, A>G. VCF-style: chr16-2060724-A-G. GRCh37 (hg19) VCF-style: chr16-2110725-A-G.
Other names: c.1030A>G, p.Arg344Gly (NM_001077183.3, NM_001114382.3, NM_001363528.2 and 6 more transcripts); c.919A>G, p.Arg307Gly (NM_001318827.2, NM_001406670.1, NM_001406678.1); c.883A>G, p.Arg295Gly (NM_001318829.2, NM_001406675.1, NM_001406676.1 and 1 more transcripts); c.430A>G, p.Arg144Gly (NM_001318831.2, NM_001406680.1, NM_001406682.1 and 6 more transcripts); c.1063A>G, p.Arg355Gly (NM_001318832.2); c.1120A>G, p.Arg374Gly (NM_001406667.1, NM_001406668.1); c.1018A>G, p.Arg340Gly (NM_001406671.1, NM_001406673.1); c.973A>G, p.Arg325Gly (NM_001406677.1); and 4 more; short protein forms R325G, R340G, R344G, R144G, R295G, R307G, R374G, R190G.
Identifiers: ClinVar variation 3811346 (VCV003811346.1).

ClinVar aggregate classification (germline): Uncertain significance (1 of 4 stars; one submission).

Conditions:
Hereditary cancer-predisposing syndrome. Also called: Neoplastic Syndromes, Hereditary; Hereditary Cancer Syndrome; Tumor predisposition; Hereditary neoplastic syndrome. Identifiers: Orphanet 140162, MedGen C0027672, MeSH D009386, MONDO:0015356.

Submission:

Ambry Genetics
Classification: Uncertain significance for Hereditary cancer-predisposing syndrome. Last evaluated: 2025-01-22. Review status: criteria provided, single submitter. Criteria: Ambry Variant Classification Scheme 2023. Collection method: clinical testing. Allele origin: germline.
Comment: The p.R344G variant (also known as c.1030A>G), located in coding exon 10 of the TSC2 gene, results from an A to G substitution at nucleotide position 1030. The arginine at codon 344 is replaced by glycine, an amino acid with dissimilar properties. This amino acid position is conserved. In addition, this alteration is predicted to be deleterious by in silico analysis. Based on the available evidence, the clinical significance of this variant remains unclear.